The following is an entry in ClinVar:

NM_004360.5(CDH1):c.1565+7G>T

Gene: CDH1 (cadherin 1; plus strand). Cytogenetic location: 16q22.1.
Variant type: single nucleotide variant.
Coding change: c.1565+7G>T on transcript NM_004360.5 (MANE Select); 7 bases into the intron after coding-DNA position 1565, G replaced by T.
Molecular consequence: intron variant.
Genome position (GRCh38, 1-based): chr16:68,815,766, G>T. VCF-style: chr16-68815766-G-T. GRCh37 (hg19) VCF-style: chr16-68849669-G-T.
Other names: c.1565+7G>T (LRG_301t1); c.17+7G>T (NM_001317185.2); c.-255+7G>T (NM_001317186.2); c.1382+7G>T (NM_001317184.2).
Identifiers: ClinVar variation 508544 (VCV000508544.10), dbSNP rs1555516206, ClinGen allele CA658798624.

ClinVar aggregate classification (germline): Likely benign. Review status: criteria provided, multiple submitters, no conflicts (2 of 4 stars). 3 submissions from 3 submitters: Likely benign (3). Last evaluated 2025-12-30.

Conditions:
Hereditary diffuse gastric adenocarcinoma (HDGC). Also called: DIFFUSE GASTRIC AND LOBULAR BREAST CANCER SYNDROME. Identifiers: Orphanet 26106, MedGen C1708349, MONDO:0007648, OMIM 137215.

Allele frequency attached by ClinVar (database versions not stated): gnomAD exomes below 0.00001.
gnomAD v4.1: 1 of 1,614,198 alleles (0.000062%); highest among the groups gnomAD compares: Non-Finnish European, 0.000085%; no homozygotes.

Submissions (3):

Labcorp Genetics (formerly Invitae), Labcorp
Classification: Likely benign for Hereditary diffuse gastric adenocarcinoma. Last evaluated: 2025-12-30. Review status: criteria provided, single submitter. Criteria: Invitae Variant Classification Sherloc (09022015). Collection method: clinical testing. Allele origin: germline.

Myriad Genetics, Inc.
Classification: Likely benign for Hereditary diffuse gastric adenocarcinoma. Last evaluated: 2024-09-19. Review status: criteria provided, single submitter. Criteria: Myriad Autosomal Dominant, Autosomal Recessive and X-Linked Classification Criteria (2023). Collection method: clinical testing. Allele origin: unknown.
Comment: This variant is considered likely benign. This variant is intronic and is not expected to impact mRNA splicing.

GeneDx
Classification: Likely benign. Last evaluated: 2017-04-04. Review status: criteria provided, single submitter. Criteria: GeneDx Variant Classification (06012015). Collection method: clinical testing. Allele origin: germline. Affected: yes.
Comment: This variant is considered likely benign or benign based on one or more of the following criteria: it is a conservative change, it occurs at a poorly conserved position in the protein, it is predicted to be benign by multiple in silico algorithms, and/or has population frequency not consistent with disease.